The following is an entry in ClinVar:

NM_007194.4(CHEK2):c.136_137delinsTG (p.Met46Trp)

Gene: CHEK2 (checkpoint kinase 2; minus strand). Cytogenetic location: 22q12.1.
Variant type: Indel.
Coding change: c.136_137delinsTG on transcript NM_007194.4 (MANE Select); coding-DNA positions 136 to 137, AT replaced by TG.
Protein change: p.Met46Trp; replaces methionine 46 with tryptophan.
Molecular consequence: missense variant.
Genome position (GRCh38, 1-based): chr22:28,734,585-28,734,586, AT replaced by CA on the plus strand (AT replaced by TG on the coding strand, the reverse complement: CHEK2 is on the minus strand). VCF-style: chr22-28734585-AT-CA. GRCh37 (hg19) VCF-style: chr22-29130573-AT-CA.
Other names: c.136_137delATinsTG, p.Met46Trp (NM_001005735.3, NM_001349956.3, NM_145862.3); c.-642_-641delATinsTG (NM_001257387.3); short protein forms M46W.
Identifiers: ClinVar variation 485523 (VCV000485523.5), dbSNP rs1555932507, ClinGen allele CA658656853.

ClinVar aggregate classification (germline): Uncertain significance (1 of 4 stars; one submission).

Conditions:
Hereditary cancer-predisposing syndrome. Also called: Tumor predisposition; Hereditary Cancer Syndrome; Hereditary neoplastic syndrome; Neoplastic Syndromes, Hereditary. Identifiers: Orphanet 140162, MedGen C0027672, MeSH D009386, MONDO:0015356.

Submission:

Ambry Genetics
Classification: Uncertain significance for Hereditary cancer-predisposing syndrome. Last evaluated: 2017-03-10. Review status: criteria provided, single submitter. Criteria: Ambry Variant Classification Scheme 2023. Collection method: clinical testing. Allele origin: germline.
Comment: The c.136_137delATinsTG variant, located in coding exon 1 of the CHEK2 gene, results from an in-frame deletion of AT and insertion of TG at nucleotide positions 136 to 137. This results in the substitution of the methionine residue for a tryptophan residue at codon 46, an amino acid with similar properties. This amino acid position is poorly conserved in available vertebrate species. Since supporting evidence is limited at this time, the clinical significance of this alteration remains unclear.